The following is an entry in ClinVar:

NM_000132.4(F8):c.5540A>G (p.Asp1847Gly)

Gene: F8 (coagulation factor VIII; minus strand). Cytogenetic location: Xq28.
Variant type: single nucleotide variant.
Coding change: c.5540A>G on transcript NM_000132.4 (MANE Select); coding-DNA position 5540, A replaced by G.
Protein change: p.Asp1847Gly; replaces aspartic acid 1847 with glycine.
Molecular consequence: missense variant.
Genome position (GRCh38, 1-based): chrX:154,904,857, T>C on the plus strand (A>G on the coding strand, the complement: F8 is on the minus strand). VCF-style: chrX-154904857-T-C. GRCh37 (hg19) VCF-style: chrX-154133132-T-C.
Other names: short protein forms D1847G.
Identifiers: ClinVar variation 3897163 (VCV003897163.1).

ClinVar aggregate classification (germline): Pathogenic (1 of 4 stars; one submission).

Submission:

GeneDx
Classification: Pathogenic. Last evaluated: 2024-10-29. Review status: criteria provided, single submitter. Criteria: GeneDx Variant Classification Process June 2021. Collection method: clinical testing. Allele origin: germline. Affected: yes.
Comment: Published functional study demonstrates this variant created a new cryptic donor site resulting in the loss of the last 47 nucleotides in exon 16, predicted to cause a null frameshift variant (PMID: 18691168); Not observed at significant frequency in large population cohorts (gnomAD); This variant is associated with the following publications: (PMID: 25854144, 18691168)